The following is an entry in ClinVar:

ClinVar aggregate classification (germline): Uncertain significance (1 of 4 stars; one submission).

Submission:

Labcorp Genetics (formerly Invitae), Labcorp
Classification: Uncertain significance. Last evaluated: 2023-07-13. Review status: criteria provided, single submitter. Criteria: Invitae Variant Classification Sherloc (09022015). Collection method: clinical testing. Allele origin: germline.
Comment: In summary, the available evidence is currently insufficient to determine the role of this variant in disease. Therefore, it has been classified as a Variant of Uncertain Significance. Advanced modeling of protein sequence and biophysical properties (such as structural, functional, and spatial information, amino acid conservation, physicochemical variation, residue mobility, and thermodynamic stability) performed at Invitae indicates that this missense variant is expected to disrupt RAI1 protein function. This variant has not been reported in the literature in individuals affected with RAI1-related conditions. This variant is not present in population databases (gnomAD no frequency). This sequence change replaces glycine, which is neutral and non-polar, with aspartic acid, which is acidic and polar, at codon 318 of the RAI1 protein (p.Gly318Asp).

NM_030665.4(RAI1):c.953G>A (p.Gly318Asp)

Gene: RAI1 (retinoic acid induced 1; plus strand). Cytogenetic location: 17p11.2.
Variant type: single nucleotide variant.
Coding change: c.953G>A on transcript NM_030665.4 (MANE Select); coding-DNA position 953, G replaced by A.
Protein change: p.Gly318Asp; replaces glycine 318 with aspartic acid.
Molecular consequence: missense variant.
Genome position (GRCh38, 1-based): chr17:17,793,901, G>A. VCF-style: chr17-17793901-G-A. GRCh37 (hg19) VCF-style: chr17-17697215-G-A.
Other names: short protein forms G318D.
Identifiers: ClinVar variation 2742894 (VCV002742894.3), dbSNP rs2508572691, ClinGen allele CA398546576.